The following is an entry in ClinVar:

ClinVar aggregate classification (germline): Pathogenic (1 of 4 stars; one submission).

Submission:

ISCA Site 6
Classification: Pathogenic. Last evaluated: 2011-08-12. Review status: criteria provided, single submitter. Criteria: Kaminsky et al. (Genet Med. 2011). Collection method: clinical testing. Allele origin: unknown. Affected: yes. Observed: 1 variant allele.
Comment: Copy number variation identified through the course of routine clinical cytogenomic testing in postnatal populations. Clinical assertions have been curated as described in Kaminsky et al. 2011.

GRCh38/hg38 Xp22.33-22.31(chrX:26102-8495903)x1

Genes: AKAP17A (A-kinase anchoring protein 17A; plus strand), ARSD (arylsulfatase D; minus strand), ARSD-AS1 (ARSD antisense RNA 1; plus strand), ARSF (arylsulfatase F; plus strand), ARSH (arylsulfatase family member H; plus strand) and 112 more. Cytogenetic location: Xp22.33-22.31.
Variant type: copy number loss.
Change: copy number 1 of chrX:26,102-8,495,903 (8.47 Mb, GRCh38 coordinates, 1-based), cytogenetic band Xp22.33-22.31.
Identifiers: ClinVar variation 59187 (VCV000059187.3).